The following is an entry in ClinVar:

ClinVar aggregate classification (germline): Uncertain significance (1 of 4 stars; one submission).

Submission:

Labcorp Genetics (formerly Invitae), Labcorp
Classification: Uncertain significance. Last evaluated: 2022-04-06. Review status: criteria provided, single submitter. Criteria: Invitae Variant Classification Sherloc (09022015). Collection method: clinical testing. Allele origin: germline.
Comment: In summary, the available evidence is currently insufficient to determine the role of this variant in disease. Therefore, it has been classified as a Variant of Uncertain Significance. Algorithms developed to predict the effect of missense changes on protein structure and function are either unavailable or do not agree on the potential impact of this missense change (SIFT: "Deleterious"; PolyPhen-2: "Benign"; Align-GVGD: "Class C0"). This variant has not been reported in the literature in individuals affected with STAT4-related conditions. This variant is not present in population databases (gnomAD no frequency). This sequence change replaces proline, which is neutral and non-polar, with leucine, which is neutral and non-polar, at codon 567 of the STAT4 protein (p.Pro567Leu).

NM_003151.4(STAT4):c.1700C>T (p.Pro567Leu)

Gene: STAT4 (signal transducer and activator of transcription 4; minus strand). Cytogenetic location: 2q32.2.
Variant type: single nucleotide variant.
Coding change: c.1700C>T on transcript NM_003151.4 (MANE Select); coding-DNA position 1700, C replaced by T.
Protein change: p.Pro567Leu; replaces proline 567 with leucine.
Molecular consequence: missense variant.
Genome position (GRCh38, 1-based): chr2:191,033,926, G>A on the plus strand (C>T on the coding strand, the complement: STAT4 is on the minus strand). VCF-style: chr2-191033926-G-A. GRCh37 (hg19) VCF-style: chr2-191898652-G-A.
Other names: c.1700C>T, p.Pro567Leu (NM_001243835.2); short protein forms P567L.
Identifiers: ClinVar variation 2122204 (VCV002122204.4), dbSNP rs2470648420, ClinGen allele CA349908276.